The following is an entry in ClinVar:

ClinVar aggregate classification (germline): Uncertain significance. Review status: criteria provided, multiple submitters, no conflicts (2 of 4 stars). 2 submissions from 2 submitters: Uncertain significance (2). Last evaluated 2023-07-05.

Conditions:
Combined oxidative phosphorylation defect type 20. Also called: Combined oxidative phosphorylation deficiency 20. Identifiers: Orphanet 420728, MedGen C4014660, MONDO:0014397, OMIM 615917.

Allele frequency attached by ClinVar (database versions not stated): gnomAD 0.00004 and 0.00005; TOPMed 0.00007.
gnomAD v4.1: 30 of 1,612,516 alleles (0.0019%); highest among the groups gnomAD compares: Admixed American, 0.01%; no homozygotes.

Submissions (2):

Mayo Clinic Laboratories, Mayo Clinic
Classification: Uncertain significance. Last evaluated: 2023-07-05. Review status: criteria provided, single submitter. Criteria: ACMG Guidelines, 2015. Collection method: clinical testing. Allele origin: germline. Observed: 1 variant allele.
Comment: BP4, PM2_moderate

Baylor Genetics
Classification: Uncertain significance for Combined oxidative phosphorylation defect type 20. Last evaluated: 2019-03-08. Review status: criteria provided, single submitter. Criteria: ACMG Guidelines, 2015. Collection method: clinical testing. Allele origin: maternal. Affected: yes.
Comment: This variant was determined to be of uncertain significance according to ACMG Guidelines, 2015 [PMID:25741868].

NM_020442.6(VARS2):c.2501G>A (p.Arg834His)

Gene: VARS2 (valyl-tRNA synthetase 2, mitochondrial; plus strand). Cytogenetic location: 6p21.33.
Variant type: single nucleotide variant.
Coding change: c.2501G>A on transcript NM_020442.6 (MANE Select); coding-DNA position 2501, G replaced by A.
Protein change: p.Arg834His; replaces arginine 834 with histidine.
Molecular consequence: missense variant.
Genome position (GRCh38, 1-based): chr6:30,924,388, G>A. VCF-style: chr6-30924388-G-A. GRCh37 (hg19) VCF-style: chr6-30892165-G-A.
Other names: p.Arg864His; c.2081G>A, p.Arg694His (NM_001167733.3); c.2591G>A, p.Arg864His (NM_001167734.2); short protein forms R834H, R694H, R864H.
Identifiers: ClinVar variation 1029202 (VCV001029202.2), dbSNP rs747564856, ClinGen allele CA3706294.
Genomic context (GRCh38, chr6:30,924,388, plus strand): 5'-CCTCTGACCATTGGCTTCCTCTCCAGGAGGCTGTGAAGCCCGTGCTGTGGCACTCGCCCC[G>A]CCCCCTGGGGCCCCCTCAGGTCCTGTTCTCCTGCGCTGACCTCGGCCTCCGCCTCCTGGC-3'
Protein context (NP_065175.4, residues 824-844): AVKPVLWHSP[Arg834His]PLGPPQVLFS